The following is an entry in ClinVar:

ClinVar aggregate classification (germline): Uncertain significance (1 of 4 stars; one submission).

Submission:

GeneDx
Classification: Uncertain significance. Last evaluated: 2025-03-17. Review status: criteria provided, single submitter. Criteria: GeneDx Variant Classification Process June 2021. Collection method: clinical testing. Allele origin: germline. Affected: yes.
Comment: Not observed at significant frequency in large population cohorts (gnomAD); Has not been previously published as pathogenic or benign to our knowledge; Frameshift variant predicted to result in abnormal protein length as the last 16 amino acid(s) are replaced with 182 different amino acid(s) with an unclear effect on protein function; This variant is associated with the following publications: (PMID: 28900777)

NM_000455.5(STK11):c.1252_1260delinsA (p.Cys418fs)

Gene: STK11 (serine/threonine kinase 11; plus strand). Cytogenetic location: 19p13.3.
Variant type: Indel.
Coding change: c.1252_1260delinsA on transcript NM_000455.5 (MANE Select); coding-DNA positions 1252 to 1260, TGCTCCGCC replaced by A.
Protein change: p.Cys418fs; shifts the reading frame from cysteine 418.
Molecular consequence: frameshift variant. On other transcripts: non-coding transcript variant (1).
Genome position (GRCh38, 1-based): chr19:1,226,597-1,226,605, TGCTCCGCC replaced by A. VCF-style: chr19-1226597-TGCTCCGCC-A. GRCh37 (hg19) VCF-style: chr19-1226596-TGCTCCGCC-A.
Other names: c.1252_1260delTGCTCCGCCinsA, p.Cys418Lysfs (NM_000455.4); short protein forms C418fs.
Identifiers: ClinVar variation 4086602 (VCV004086602.1).